The following is an entry in ClinVar:

NM_001009944.3(PKD1):c.11016+9G>A

Genes: PKD1 (polycystin 1, transient receptor potential channel interacting; minus strand), PKD1-AS1 (PKD1 antisense RNA 1; plus strand). Cytogenetic location: 16p13.3.
Variant type: single nucleotide variant.
Coding change: c.11016+9G>A on transcript NM_001009944.3 (MANE Select); 9 bases into the intron after coding-DNA position 11016, G replaced by A.
Molecular consequence: intron variant.
Genome position (GRCh38, 1-based): chr16:2,093,535, C>T on the plus strand (G>A on the coding strand, the complement: PKD1 is on the minus strand). VCF-style: chr16-2093535-C-T. GRCh37 (hg19) VCF-style: chr16-2143536-C-T.
Other names: c.11013+9G>A (NM_000296.4).
Identifiers: ClinVar variation 5019269 (VCV005019269.2).

ClinVar aggregate classification (germline): Uncertain significance (1 of 4 stars; one submission).

Conditions:
Polycystic kidney disease, adult type (PKD1). Also called: Polycystic Kidney Disease 1, Autosomal Dominant; Polycystic kidney disease 1; Polycystic kidney disease 1, severe; POLYCYSTIC KIDNEY DISEASE, ADULT, TYPE I; POLYCYSTIC KIDNEY DISEASE 1 WITH OR WITHOUT POLYCYSTIC LIVER DISEASE; Polycystic Kidney, Autosomal Dominant. Identifiers: MedGen C3149841, MONDO:0008263, OMIM 173900.

Submission:

Juno Genomics, Hangzhou Juno Genomics, Inc
Classification: Uncertain significance for Polycystic kidney disease, adult type. Review status: criteria provided, single submitter. Criteria: ACMG Guidelines, 2015. Collection method: clinical testing. Allele origin: germline.
Comment: Absent from controls (or at extremely low frequency if recessive) in Genome Aggregation Database.;Multiple lines of computational evidence support a deleterious effect on the gene or gene product.